The following is an entry in ClinVar:

NM_006648.4(WNK2):c.610G>A (p.Gly204Ser)

Gene: WNK2 (WNK lysine deficient protein kinase 2; plus strand). Cytogenetic location: 9q22.31.
Variant type: single nucleotide variant.
Coding change: c.610G>A on transcript NM_006648.4 (MANE Select); coding-DNA position 610, G replaced by A.
Protein change: p.Gly204Ser; replaces glycine 204 with serine.
Molecular consequence: missense variant.
Genome position (GRCh38, 1-based): chr9:93,185,539, G>A. VCF-style: chr9-93185539-G-A. GRCh37 (hg19) VCF-style: chr9-95947821-G-A.
Other names: c.610G>A, p.Gly204Ser (NM_001282394.3); short protein forms G204S.
Identifiers: ClinVar variation 4842142 (VCV004842142.1).
Genomic context (GRCh38, chr9:93,185,539, plus strand): 5'-AAGGCCGTGGCCACCTCTCTGGACGGCCGCTTCCTCAAGTTCGACATCGAGCTGGGCCGC[G>A]GTTCCTTCAAGACGGTCTACAAGGGGCTGGACACGGAGACCTGGGTGGAGGTGGCCTGGT-3'
Protein context (NP_006639.3, residues 194-214): FLKFDIELGR[Gly204Ser]SFKTVYKGLD

ClinVar aggregate classification (germline): Uncertain significance (1 of 4 stars; one submission).

Submission:

Ambry Genetics
Classification: Uncertain significance. Last evaluated: 2026-01-14. Review status: criteria provided, single submitter. Criteria: Ambry Variant Classification Scheme 2023. Collection method: clinical testing. Allele origin: germline.
Comment: The p.G204S variant (also known as c.610G>A), located in coding exon 1 of the WNK2 gene, results from a G to A substitution at nucleotide position 610. The glycine at codon 204 is replaced by serine, an amino acid with similar properties. This amino acid position is conserved. In addition, this alteration is predicted to be deleterious by in silico analysis. Based on the available evidence, the clinical significance of this variant remains unclear.